The following is an entry in ClinVar:

NM_144508.5(KNL1):c.5184dup (p.Ile1729fs)

Gene: KNL1 (kinetochore scaffold 1; plus strand). Cytogenetic location: 15q15.1.
Variant type: Duplication.
Coding change: c.5184dup on transcript NM_144508.5 (MANE Select); coding-DNA position 5184, one base duplicated (T; older notation c.5184dupT).
Protein change: p.Ile1729fs; shifts the reading frame from isoleucine 1729.
Molecular consequence: frameshift variant.
Genome position (GRCh38, 1-based): chr15:40,625,448, T duplicated. VCF-style (leftmost placement, unchanged base first): chr15-40625447-C-CT. GRCh37 (hg19) VCF-style: chr15-40917645-C-CT.
Other names: c.5262dup, p.Ile1755fs (NM_170589.5); short protein forms I1729fs, I1755fs.
Identifiers: ClinVar variation 217515 (VCV000217515.3), dbSNP rs863225127, ClinGen allele CA279489.
Genomic context (GRCh38, chr15:40,625,447, plus strand): 5'-CTCAATATATAAATGAGGAAAATCTTCCTGTATATCCTGATGAGATCAATTCTTCAGACT[C>CT]TATTAACATAGAAACTGAGGAAAAGGCCTTGATTGAGACATACCAAAAAGAGATTTCACC-3'

ClinVar aggregate classification (germline): Pathogenic. Review status: criteria provided, single submitter (1 of 4 stars). 2 submissions from 2 submitters: Pathogenic (1). 1 of the submissions does not count toward it. Last evaluated 2015-10-26.

Conditions:
Microcephaly 4, primary, autosomal recessive. Identifiers: Orphanet 2512, MedGen C1858516, MONDO:0011437, OMIM 604321.

Submissions (2):

Molecular Genetics Pathology Laboratory, University Of Arkansas for Medical Sciences
Classification: Pathogenic for Microcephaly 4, primary, autosomal recessive. Last evaluated: 2015-10-26. Review status: criteria provided, single submitter. Criteria: ACMG Guidelines, 2015. Collection method: clinical testing. Allele origin: de novo. Inheritance: Sporadic. Affected: yes. Observed: 1 compound heterozygote. Segregation with disease observed.
Comment: The c.5262dup change is a previously unreported variant that results in a frameshift (p.Ile1755Tyrfs*2) and premature truncation of the protein encoded by this gene. The c.5262dupT is classified as pathogenic (PVS1 PS2). As a frameshift variant, it falls in the PVS1 category. Because of its de novo nature, it is also a category PS2 variant, fulfilling criteria for pathogenicity.

OMIM
Classification: Pathogenic for MICROCEPHALY 4, PRIMARY, AUTOSOMAL RECESSIVE. Last evaluated: 2018-02-20. Review status: no assertion criteria provided. Collection method: literature only. Allele origin: germline. Not counted in ClinVar's aggregate classification.

Literature cited by the submitters: PubMed 22983954 (cited by Molecular Genetics Pathology Laboratory, University Of Arkansas for Medical Sciences); PubMed 27149178 (cited by OMIM).